The following is an entry in ClinVar:

ClinVar aggregate classification (germline): Uncertain significance. Review status: criteria provided, multiple submitters, no conflicts (2 of 4 stars). 2 submissions from 2 submitters: Uncertain significance (2). Last evaluated 2025-03-24.

Conditions:
Inborn genetic diseases. Identifiers: MedGen C0950123, MeSH D030342.

Allele frequency attached by ClinVar (database versions not stated): 1000 Genomes Project 30x 0.00016; 1000 Genomes Project 0.00020; ExAC 0.00010.
gnomAD v4.1: 58 of 1,612,868 alleles (0.0036%); highest among the groups gnomAD compares: East Asian, 0.098%; no homozygotes.

Submissions (2):

Ambry Genetics
Classification: Uncertain significance for Inborn genetic diseases. Last evaluated: 2025-03-24. Review status: criteria provided, single submitter. Criteria: Ambry Variant Classification Scheme 2023. Collection method: clinical testing. Allele origin: germline.

Women's Health and Genetics/Laboratory Corporation of America, LabCorp
Classification: Uncertain significance. Last evaluated: 2024-01-12. Review status: criteria provided, single submitter. Criteria: LabCorp Variant Classification Summary - May 2015. Collection method: clinical testing. Allele origin: germline.
Comment: Variant summary: NPHS1 c.3274C>T (p.Arg1092Cys) results in a non-conservative amino acid change in the encoded protein sequence. Four of five in-silico tools predict a damaging effect of the variant on protein function. The variant allele was found at a frequency of 7.7e-05 in 248260 control chromosomes (gnomAD). This frequency is not significantly higher than estimated for a pathogenic variant in NPHS1 causing Nephrotic Syndrome, Type 1 (7.7e-05 vs 0.0034), allowing no conclusion about variant significance. c.3274C>T has been reported in the literature in the heterozygous state in an individual affected with Nephrotic Syndrome, Type 1 (Wang_2017) and in one individual with sporadic focal segmental glomerulosclerosis as well as in one control (Zhou_2019). These reports do not provide unequivocal conclusions about association of the variant with Nephrotic Syndrome, Type 1. To our knowledge, no experimental evidence demonstrating an impact on protein function has been reported. The following publications have been ascertained in the context of this evaluation (PMID: 28476686, 31216994). No submitters have cited clinical-significance assessments for this variant to ClinVar. Based on the evidence outlined above, the variant was classified as uncertain significance.

Literature cited by the submitters: PubMed 28476686 (cited by Women's Health and Genetics/Laboratory Corporation of America, LabCorp); PubMed 31216994 (cited by Women's Health and Genetics/Laboratory Corporation of America, LabCorp).

NM_004646.4(NPHS1):c.3274C>T (p.Arg1092Cys)

Gene: NPHS1 (NPHS1 adhesion molecule, nephrin; minus strand). Cytogenetic location: 19q13.12.
Variant type: single nucleotide variant.
Coding change: c.3274C>T on transcript NM_004646.4 (MANE Select); coding-DNA position 3274, C replaced by T.
Protein change: p.Arg1092Cys; replaces arginine 1092 with cysteine.
Molecular consequence: missense variant.
Genome position (GRCh38, 1-based): chr19:35,831,655, G>A on the plus strand (C>T on the coding strand, the complement: NPHS1 is on the minus strand). VCF-style: chr19-35831655-G-A. GRCh37 (hg19) VCF-style: chr19-36322557-G-A.
Other names: short protein forms R1092C.
Identifiers: ClinVar variation 3063885 (VCV003063885.2), dbSNP rs199646631, ClinGen allele CA9389851.